The following is an entry in ClinVar:

ClinVar aggregate classification (germline): Uncertain significance. Review status: criteria provided, multiple submitters, no conflicts (2 of 4 stars). 5 submissions from 5 submitters: Uncertain significance (4). 1 of the submissions does not count toward it. Last evaluated 2024-08-21.

Conditions:
CFTR-related disorder (CFTR-RD). Also called: CFTR-related disorders; CFTR-related condition. Identifiers: MedGen C5924204, MONDO:7770004.
Cystic fibrosis (CF). Also called: MUCOVISCIDOSIS. Identifiers: Orphanet 586, MedGen C0010674, MONDO:0009061, OMIM 219700. Disease mechanism: loss of function.

Submissions (5):

Women's Health and Genetics/Laboratory Corporation of America, LabCorp
Classification: Uncertain significance. Last evaluated: 2024-08-21. Review status: criteria provided, single submitter. Criteria: LabCorp Variant Classification Summary - May 2015. Collection method: clinical testing. Allele origin: germline.
Comment: Variant summary: CFTR c.1115A>G (p.Gln372Arg) results in a conservative amino acid change in the encoded protein sequence. Three of five in-silico tools predict a damaging effect of the variant on protein function. Several computational tools predict a significant impact on normal splicing: Two predict the variant weakens a 5' donor site. One predict the variant abolishes a 5' splicing donor site. One predict the variant no significant impact on splicing. However, these predictions have yet to be confirmed by functional studies. The variant was absent in 250602 control chromosomes. The available data on variant occurrences in the general population are insufficient to allow any conclusion about variant significance. c.1115A>G has been reported in the literature in at least one heterozygous individual affected with Congenital Bilateral Absence Of The Vas Deferens (Luo_2021). These report(s) do not provide unequivocal conclusions about association of the variant with Congenital Bilateral Absence Of The Vas Deferens. To our knowledge, no experimental evidence demonstrating an impact on protein function has been reported. The following publication has been ascertained in the context of this evaluation (PMID: 32777524).ClinVar contains an entry for this variant (Variation ID: 994320). Based on the evidence outlined above, the variant was classified as uncertain significance.

Ambry Genetics
Classification: Uncertain significance for Cystic fibrosis. Last evaluated: 2023-12-08. Review status: criteria provided, single submitter. Criteria: Ambry Variant Classification Scheme 2023. Collection method: clinical testing. Allele origin: germline.
Comment: The p.Q372R variant (also known as c.1115A>G), located in coding exon 8 of the CFTR gene, results from an A to G substitution at nucleotide position 1115. The glutamine at codon 372 is replaced by arginine, an amino acid with highly similar properties. This alteration was identified in an individual diagnosed with congenital absence of the vas deferens (Luo S et al. Gene, 2021 Jan;765:145045). This amino acid position is well conserved in available vertebrate species. In addition, this alteration is predicted to be deleterious by in silico analysis. Since supporting evidence is limited at this time, the clinical significance of this alteration remains unclear.

Labcorp Genetics (formerly Invitae), Labcorp
Classification: Uncertain significance for Cystic fibrosis. Last evaluated: 2023-05-25. Review status: criteria provided, single submitter. Criteria: Invitae Variant Classification Sherloc (09022015). Collection method: clinical testing. Allele origin: germline.
Comment: This sequence change replaces glutamine, which is neutral and polar, with arginine, which is basic and polar, at codon 372 of the CFTR protein (p.Gln372Arg). This variant is not present in population databases (gnomAD no frequency). This missense change has been observed in individual(s) with congenital absence of the vas deferens (PMID: 32777524). ClinVar contains an entry for this variant (Variation ID: 994320). An algorithm developed to predict the effect of missense changes on protein structure and function (PolyPhen-2) suggests that this variant is likely to be tolerated. Algorithms developed to predict the effect of sequence changes on RNA splicing suggest that this variant may disrupt the consensus splice site. In summary, the available evidence is currently insufficient to determine the role of this variant in disease. Therefore, it has been classified as a Variant of Uncertain Significance.

ARUP Laboratories, Molecular Genetics and Genomics, ARUP Laboratories
Classification: Uncertain significance. Last evaluated: 2020-04-03. Review status: criteria provided, single submitter. Criteria: ARUP Molecular Germline Variant Investigation Process. Collection method: clinical testing. Allele origin: germline.
Comment: The CFTR c.1115A>G; p.Gln372Arg variant, to our knowledge, is not reported in the medical literature or gene-specific databases. This variant is also absent from general population databases (Exome Variant Server, Genome Aggregation Database), indicating it is not a common polymorphism. The glutamine at codon 372 is moderately conserved, but computational analyses (SIFT: tolerated, PolyPhen-2: damaging) predict conflicting effects of this variant on protein structure/function. Due to limited information, the clinical significance of the p.Gln372Arg variant is uncertain at this time.

Natera, Inc.
Classification: Uncertain significance for CFTR-related disorders. Last evaluated: 2020-02-27. Review status: no assertion criteria provided. Collection method: clinical testing. Allele origin: germline. Not counted in ClinVar's aggregate classification.

Literature cited by the submitters: PubMed 32777524 (cited by 3 submitters).

NM_000492.4(CFTR):c.1115A>G (p.Gln372Arg)

Gene: CFTR (CF transmembrane conductance regulator; plus strand). Cytogenetic location: 7q31.2.
Variant type: single nucleotide variant.
Coding change: c.1115A>G on transcript NM_000492.4 (MANE Select); coding-DNA position 1115, A replaced by G.
Protein change: p.Gln372Arg; replaces glutamine 372 with arginine.
Molecular consequence: missense variant.
Genome position (GRCh38, 1-based): chr7:117,540,345, A>G. VCF-style: chr7-117540345-A-G. GRCh37 (hg19) VCF-style: chr7-117180399-A-G.
Other names: c.1115A>G (NM_000492.3); short protein forms Q372R.
Identifiers: ClinVar variation 994320 (VCV000994320.14), dbSNP rs1799033866, ClinGen allele CA368979123.
Genomic context (GRCh38, chr7:117,540,345, plus strand): 5'-GGCAATTTCCCTGGGCTGTACAAACATGGTATGACTCTCTTGGAGCAATAAACAAAATAC[A>G]GGTAATGTACCATAATGCTGCATTATATACTATGATTTAAATAATCAGTCAATAGATCAG-3'
Protein context (NP_000483.3, residues 362-382): YDSLGAINKI[Gln372Arg]DFLQKQEYKT